The following is an entry in ClinVar:

NM_001009944.3(PKD1):c.12526C>T (p.Pro4176Ser)

Gene: PKD1 (polycystin 1, transient receptor potential channel interacting; minus strand). Cytogenetic location: 16p13.3.
Variant type: single nucleotide variant.
Coding change: c.12526C>T on transcript NM_001009944.3 (MANE Select); coding-DNA position 12526, C replaced by T.
Protein change: p.Pro4176Ser; replaces proline 4176 with serine.
Molecular consequence: missense variant.
Genome position (GRCh38, 1-based): chr16:2,090,113, G>A on the plus strand (C>T on the coding strand, the complement: PKD1 is on the minus strand). VCF-style: chr16-2090113-G-A. GRCh37 (hg19) VCF-style: chr16-2140114-G-A.
Other names: c.12523C>T, p.Pro4175Ser (NM_000296.4); c.12523C>T (NM_000296.3); short protein forms P4175S, P4176S.
Identifiers: ClinVar variation 1310076 (VCV001310076.4), dbSNP rs755976712, ClinGen allele CA394322319.

ClinVar aggregate classification (germline): Uncertain significance. Review status: criteria provided, multiple submitters, no conflicts (2 of 4 stars). 3 submissions from 3 submitters: Uncertain significance (3). Last evaluated 2023-12-13.

Conditions:
Polycystic kidney disease, adult type (PKD1). Also called: Polycystic Kidney Disease 1, Autosomal Dominant; Polycystic kidney disease 1; Polycystic kidney disease 1, severe; POLYCYSTIC KIDNEY DISEASE 1 WITH OR WITHOUT POLYCYSTIC LIVER DISEASE; POLYCYSTIC KIDNEY DISEASE, ADULT, TYPE I; Polycystic Kidney, Autosomal Dominant. Identifiers: MedGen C3149841, MONDO:0008263, OMIM 173900.
Inborn genetic diseases. Identifiers: MedGen C0950123, MeSH D030342.

Allele frequency attached by ClinVar (database versions not stated): gnomAD 0.00001; TOPMed 0.00001.
gnomAD v4.1: 4 of 1,602,084 alleles (0.00025%); highest among the groups gnomAD compares: African/African-American, 0.004%; no homozygotes.

Submissions (3):

Ambry Genetics
Classification: Uncertain significance for Inborn genetic diseases. Last evaluated: 2023-12-13. Review status: criteria provided, single submitter. Criteria: Ambry Variant Classification Scheme 2023. Collection method: clinical testing. Allele origin: germline.

Fulgent Genetics
Classification: Uncertain significance for Polycystic kidney disease, adult type. Last evaluated: 2022-03-15. Review status: criteria provided, single submitter. Criteria: ACMG Guidelines, 2015. Collection method: clinical testing. Allele origin: unknown.

GeneDx
Classification: Uncertain significance. Last evaluated: 2019-11-25. Review status: criteria provided, single submitter. Criteria: GeneDx Variant Classification Process June 2021. Collection method: clinical testing. Allele origin: germline. Affected: yes.
Comment: Not observed at a significant frequency in large population cohorts (Lek et al., 2016); In silico analysis, which includes protein predictors and evolutionary conservation, supports that this variant does not alter protein structure/function; Has not been previously published as pathogenic or benign to our knowledge